The following is an entry in ClinVar:

ClinVar aggregate classification (germline): Uncertain significance (1 of 4 stars; one submission).

gnomAD v4.1: 5 of 1,613,110 alleles (0.00031%); highest among the groups gnomAD compares: East Asian, 0.011%; no homozygotes.

Submission:

Labcorp Genetics (formerly Invitae), Labcorp
Classification: Uncertain significance. Last evaluated: 2024-12-10. Review status: criteria provided, single submitter. Criteria: Invitae Variant Classification Sherloc (09022015). Collection method: clinical testing. Allele origin: germline.
Comment: This sequence change replaces valine, which is neutral and non-polar, with aspartic acid, which is acidic and polar, at codon 424 of the C1S protein (p.Val424Asp). This variant is present in population databases (rs782422223, gnomAD 0.01%). This variant has not been reported in the literature in individuals affected with C1S-related conditions. An algorithm developed to predict the effect of missense changes on protein structure and function (PolyPhen-2) suggests that this variant is likely to be disruptive. In summary, the available evidence is currently insufficient to determine the role of this variant in disease. Therefore, it has been classified as a Variant of Uncertain Significance.

NM_001734.5(C1S):c.1271T>A (p.Val424Asp)

Gene: C1S (complement C1s; plus strand). Cytogenetic location: 12p13.31.
Variant type: single nucleotide variant.
Coding change: c.1271T>A on transcript NM_001734.5 (MANE Select); coding-DNA position 1271, T replaced by A.
Protein change: p.Val424Asp; replaces valine 424 with aspartic acid.
Molecular consequence: missense variant.
Genome position (GRCh38, 1-based): chr12:7,069,855, T>A. VCF-style: chr12-7069855-T-A. GRCh37 (hg19) VCF-style: chr12-7177159-T-A.
Other names: c.770T>A, p.Val257Asp (NM_001346850.2); c.1271T>A, p.Val424Asp (NM_201442.4); short protein forms V424D, V257D.
Identifiers: ClinVar variation 3679697 (VCV003679697.2).
Genomic context (GRCh38, chr12:7,069,855, plus strand): 5'-ATTTGCAGGAAGCCAGCATCATTTCTTCCTCCTTCCCTGTGTTGTTTTATTCCTTCCTAG[T>A]CTGTGGAGTCCCCAGAGAACCCTTTGAAGAAAAACAGAGGATAATTGGAGGATCCGATGC-3'
Protein context (NP_001725.1, residues 414-434): LGPELPKCVP[Val424Asp]CGVPREPFEE